The following is an entry in ClinVar:

NM_030665.4(RAI1):c.3284G>T (p.Gly1095Val)

Gene: RAI1 (retinoic acid induced 1; plus strand). Cytogenetic location: 17p11.2.
Variant type: single nucleotide variant.
Coding change: c.3284G>T on transcript NM_030665.4 (MANE Select); coding-DNA position 3284, G replaced by T.
Protein change: p.Gly1095Val; replaces glycine 1095 with valine.
Molecular consequence: missense variant.
Genome position (GRCh38, 1-based): chr17:17,796,232, G>T. VCF-style: chr17-17796232-G-T. GRCh37 (hg19) VCF-style: chr17-17699546-G-T.
Other names: short protein forms G1095V.
Identifiers: ClinVar variation 3349780 (VCV003349780.1).

ClinVar aggregate classification (germline): Uncertain significance (0 of 4 stars; one submission).

Conditions:
RAI1-related disorder. Also called: RAI1-related condition.

Submission:

PreventionGenetics, part of Exact Sciences
Classification: Uncertain significance for RAI1-related condition. Last evaluated: 2024-03-12. Review status: no assertion criteria provided. Collection method: clinical testing. Allele origin: germline.
Comment: The RAI1 c.3284G>T variant is predicted to result in the amino acid substitution p.Gly1095Val. To our knowledge, this variant has not been reported in the literature or in a large population database, indicating this variant is rare. At this time, the clinical significance of this variant is uncertain due to the absence of conclusive functional and genetic evidence.